The following is an entry in ClinVar:

ClinVar aggregate classification (germline): Conflicting classifications of pathogenicity. Review status: criteria provided, conflicting classifications (1 of 4 stars). 18 submissions from 17 submitters: Uncertain significance (1); Benign (5); Likely benign (6). 6 of the submissions do not count toward it. Last evaluated 2026-07-01.

Conditions:
Cardiac arrhythmia. Also called: Cardiac rhythm disease; Arrhythmia. Identifiers: MedGen C0003811, MONDO:0007263, HP:0011675.
Cardiovascular phenotype. Identifiers: MedGen CN230736.
Cardiomyopathy (CMYO). Also called: Cardiomyopathies. Identifiers: Orphanet 167848, MedGen C0878544, MONDO:0004994, HP:0001638. Inheritance: Various modes of inheritance.
Catecholaminergic polymorphic ventricular tachycardia 1. Also called: RYR2-Related Catecholaminergic Polymorphic Ventricular Tachycardia; VENTRICULAR TACHYCARDIA, STRESS-INDUCED POLYMORPHIC 1; VENTRICULAR TACHYCARDIA, CATECHOLAMINERGIC POLYMORPHIC, 1, WITH OR WITHOUT ATRIAL DYSFUNCTION AND/OR DILATED CARDIOMYOPATHY. Identifiers: Orphanet 3286, MedGen C1631597, MONDO:0011484, OMIM 604772.
Arrhythmogenic right ventricular dysplasia 2. Identifiers: MedGen C1832931.
Catecholaminergic polymorphic ventricular tachycardia (CVPT). Also called: Catecholamine-induced polymorphic ventricular tachycardia. Identifiers: Orphanet 3286, MedGen C5574922, MONDO:0017990.

Allele frequency attached by ClinVar (database versions not stated): ExAC 0.00097; gnomAD 0.00123 and 0.00117; TOPMed 0.00095; gnomAD exomes 0.00098 and 0.00199; ESP Exome Variant Server 0.00177.
gnomAD v4.1: 3,020 of 1,613,884 alleles (0.19%); highest among the groups gnomAD compares: Non-Finnish European, 0.24%; 4 homozygotes.

Submissions (18):

CeGaT Center for Human Genetics Tuebingen
Classification: Likely benign. Last evaluated: 2026-07-01. Review status: criteria provided, single submitter. Criteria: CeGaT Center For Human Genetics Tuebingen Variant Classification Criteria Version 2. Collection method: clinical testing. Allele origin: germline. Affected: yes. Observed: 3 variant alleles.
Comment: RYR2: BP4, BP7, BS1

Labcorp Genetics (formerly Invitae), Labcorp
Classification: Benign for Catecholaminergic polymorphic ventricular tachycardia 1. Last evaluated: 2026-02-03. Review status: criteria provided, single submitter. Criteria: Invitae Variant Classification Sherloc (09022015). Collection method: clinical testing. Allele origin: germline.

Mayo Clinic Laboratories, Mayo Clinic
Classification: Likely benign. Last evaluated: 2025-06-25. Review status: criteria provided, single submitter. Criteria: ACMG Guidelines, 2015. Collection method: clinical testing. Allele origin: germline. Observed: 5 variant alleles.
Comment: BS1, BP4, BP7

Blueprint Genetics
Classification: Likely benign. Last evaluated: 2024-11-11. Review status: criteria provided, single submitter. Criteria: ACMG Guidelines, 2015. Collection method: clinical testing. Allele origin: germline.

All of Us Research Program, National Institutes of Health
Classification: Benign for Catecholaminergic polymorphic ventricular tachycardia. Last evaluated: 2024-02-05. Review status: criteria provided, single submitter. Criteria: ACMG Guidelines, 2015. Collection method: clinical testing. Allele origin: germline. Inheritance: Autosomal dominant inheritance. Observed: 260 variant alleles, 260 heterozygotes.
Comment: This study involves interpretation of variants in research participants for the purpose of population health screening. Participant phenotype was not available at the time of variant classification. Additional details can be found in publication PMID: 35346344, PMCID: PMC8962531

CHEO Genetics Diagnostic Laboratory, Children's Hospital of Eastern Ontario
Classification: Benign for Cardiomyopathy. Last evaluated: 2020-02-14. Review status: criteria provided, single submitter. Criteria: ACMG Guidelines, 2015. Collection method: clinical testing. Allele origin: germline. Study: Canadian Open Genetics Repository.

Color Diagnostics, LLC DBA Color Health
Classification: Benign for Cardiomyopathy. Last evaluated: 2018-06-25. Review status: criteria provided, single submitter. Criteria: ACMG Guidelines, 2015. Collection method: clinical testing. Allele origin: germline.

Illumina Laboratory Services, Illumina
Classification: Likely benign for Catecholaminergic polymorphic ventricular tachycardia 1. Last evaluated: 2018-01-13. Review status: criteria provided, single submitter. Criteria: ICSL Variant Classification Criteria 13 December 2019. Collection method: clinical testing. Allele origin: germline.
Comment: This variant was observed in the ICSL laboratory as part of a predisposition screen in an ostensibly healthy population. It had not been previously curated by ICSL or reported in the Human Gene Mutation Database (HGMD: prior to June 1st, 2018), and was therefore a candidate for classification through an automated scoring system. Utilizing variant allele frequency, disease prevalence and penetrance estimates, and inheritance mode, an automated score was calculated to assess if this variant is too frequent to cause the disease. Based on the score and internal cut-off values, a variant classified as likely benign is not then subjected to further curation. The score for this variant resulted in a classification of likely benign for this disease.

Illumina Laboratory Services, Illumina
Classification: Uncertain significance for Catecholaminergic polymorphic ventricular tachycardia 1. Last evaluated: 2018-01-13. Review status: criteria provided, single submitter. Criteria: ICSL Variant Classification Criteria 13 December 2019. Collection method: clinical testing. Allele origin: germline.

Ambry Genetics
Classification: Likely benign for Cardiovascular phenotype. Last evaluated: 2015-05-04. Review status: criteria provided, single submitter. Criteria: Ambry Variant Classification Scheme 2023. Collection method: clinical testing. Allele origin: germline.

Laboratory for Molecular Medicine, Mass General Brigham Personalized Medicine
Classification: Likely benign. Last evaluated: 2015-03-27. Review status: criteria provided, single submitter. Criteria: LMM Criteria. Collection method: clinical testing. Allele origin: germline. Observed: 9 variant alleles.
Comment: p.Asp1862Asp in exon 37 of RYR2: This variant is not expected to have clinical s ignificance because it does not alter an amino acid residue and is not located w ithin the splice consensus sequence. It has been identified in 0.2% (102/66234) of European chromosomes by the Exome Aggregation Consortium (ExAC; dbSNP rs193922628).

GeneDx
Classification: Benign. Last evaluated: 2013-07-02. Review status: criteria provided, single submitter. Criteria: GeneDx Variant Classification (06012015). Collection method: clinical testing. Allele origin: germline. Affected: yes.
Comment: This variant is considered likely benign or benign based on one or more of the following criteria: it is a conservative change, it occurs at a poorly conserved position in the protein, it is predicted to be benign by multiple in silico algorithms, and/or has population frequency not consistent with disease.

Women's Health and Genetics/Laboratory Corporation of America, LabCorp
Classification: Benign for Arrhythmia. Last evaluated: 2014-10-09. Review status: no assertion criteria provided. Collection method: clinical testing. Allele origin: germline. Not counted in ClinVar's aggregate classification.

Clinical Genetics DNA and cytogenetics Diagnostics Lab, Erasmus MC, Erasmus Medical Center
Classification: Likely benign. Review status: no assertion criteria provided. Collection method: clinical testing. Allele origin: germline. Affected: yes. Study: VKGL Data-share Consensus. Not counted in ClinVar's aggregate classification.

Clinical Genetics, Academic Medical Center
Classification: Benign. Review status: no assertion criteria provided. Collection method: clinical testing. Allele origin: germline. Affected: yes. Study: VKGL Data-share Consensus. Not counted in ClinVar's aggregate classification.

Diagnostic Laboratory, Department of Genetics, University Medical Center Groningen
Classification: Likely benign. Review status: no assertion criteria provided. Collection method: clinical testing. Allele origin: germline. Affected: yes. Study: VKGL Data-share Consensus. Not counted in ClinVar's aggregate classification.

Genome Diagnostics Laboratory, University Medical Center Utrecht
Classification: Likely benign. Review status: no assertion criteria provided. Collection method: clinical testing. Allele origin: germline. Affected: yes. Study: VKGL Data-share Consensus. Not counted in ClinVar's aggregate classification.

Joint Genome Diagnostic Labs from Nijmegen and Maastricht, Radboudumc and MUMC+
Classification: Benign. Review status: no assertion criteria provided. Collection method: clinical testing. Allele origin: germline. Affected: yes. Study: VKGL Data-share Consensus. Not counted in ClinVar's aggregate classification.

NM_001035.3(RYR2):c.5586C>T (p.Asp1862=)

Gene: RYR2 (ryanodine receptor 2; plus strand). Cytogenetic location: 1q43.
Variant type: single nucleotide variant.
Coding change: c.5586C>T on transcript NM_001035.3 (MANE Select); coding-DNA position 5586, C replaced by T.
Protein change: p.Asp1862=; no amino-acid change (aspartic acid 1862 retained).
Molecular consequence: synonymous variant.
Genome position (GRCh38, 1-based): chr1:237,614,714, C>T. VCF-style: chr1-237614714-C-T. GRCh37 (hg19) VCF-style: chr1-237778014-C-T.
Other names: p.D1862D:GAC>GAT; p.Asp1862=.
Identifiers: ClinVar variation 36745 (VCV000036745.69), dbSNP rs193922628, ClinGen allele CA009888.